The following is an entry in ClinVar:

NM_138413.4(HOGA1):c.634A>G (p.Thr212Ala)

Gene: HOGA1 (4-hydroxy-2-oxoglutarate aldolase 1; plus strand). Cytogenetic location: 10q24.2.
Variant type: single nucleotide variant.
Coding change: c.634A>G on transcript NM_138413.4 (MANE Select); coding-DNA position 634, A replaced by G.
Protein change: p.Thr212Ala; replaces threonine 212 with alanine.
Molecular consequence: missense variant. On other transcripts: intron variant (1).
Genome position (GRCh38, 1-based): chr10:97,600,097, A>G. VCF-style: chr10-97600097-A-G. GRCh37 (hg19) VCF-style: chr10-99359854-A-G.
Other names: c.212-1760A>G (NM_001134670.2); short protein forms T212A.
Identifiers: ClinVar variation 556110 (VCV000556110.3), dbSNP rs779492256, ClinGen allele CA5634187.

ClinVar aggregate classification (germline): Likely pathogenic. Review status: criteria provided, single submitter (1 of 4 stars). 2 submissions from 2 submitters: Likely pathogenic (1). 1 of the submissions does not count toward it. Last evaluated 2023-10-27.

Conditions:
Primary hyperoxaluria type 3. Also called: PH III. Identifiers: Orphanet 416, Orphanet 93600, MedGen C3150878, MONDO:0013327, OMIM 613616. Disease mechanism: loss of function.

Allele frequency attached by ClinVar (database versions not stated): gnomAD exomes 0.00001; ExAC 0.00002.
gnomAD v4.1: 4 of 1,614,142 alleles (0.00025%); highest among the groups gnomAD compares: Non-Finnish European, 0.00017%; no homozygotes.

Submissions (2):

Clinical Biochemistry Laboratory, Health Services Laboratory
Classification: Likely pathogenic for Primary hyperoxaluria type 3. Last evaluated: 2023-10-27. Review status: criteria provided, single submitter. Criteria: ACMG Guidelines, 2015. Collection method: curation. Allele origin: germline. Affected: yes.
Comment: ACMG:PM2 PM3 PM5 PP3 PP4 BP1

Counsyl
Classification: Uncertain significance for Primary hyperoxaluria type 3. Last evaluated: 2018-01-12. Review status: no assertion criteria provided. Collection method: clinical testing. Allele origin: unknown. Not counted in ClinVar's aggregate classification.

Literature cited by the submitters: PubMed 27742850 (cited by Clinical Biochemistry Laboratory, Health Services Laboratory and Counsyl).